The following is an entry in ClinVar:

ClinVar aggregate classification (germline): Benign/Likely benign. Review status: criteria provided, multiple submitters, no conflicts (2 of 4 stars). 7 submissions from 7 submitters: Benign (1); Likely benign (5). 1 of the submissions does not count toward it. Last evaluated 2025-12-13.

Conditions:
AXIN2-related disorder.
Hereditary cancer-predisposing syndrome. Also called: Tumor predisposition; Hereditary neoplastic syndrome; Neoplastic Syndromes, Hereditary; Hereditary Cancer Syndrome. Identifiers: Orphanet 140162, MedGen C0027672, MeSH D009386, MONDO:0015356.
Oligodontia-cancer predisposition syndrome. Also called: TOOTH AGENESIS-COLORECTAL CANCER SYNDROME. Identifiers: Orphanet 300576, MedGen C1837750, MONDO:0012075, OMIM 608615. Disease mechanism: loss of function.

Allele frequency attached by ClinVar (database versions not stated): gnomAD exomes 0.00001; ExAC 0.00002; gnomAD 0.00003; TOPMed 0.00005; ESP Exome Variant Server 0.00008.
gnomAD v4.1: 7 of 1,614,048 alleles (0.00043%); highest among the groups gnomAD compares: African/African-American, 0.0067%; no homozygotes.

Submissions (7):

Labcorp Genetics (formerly Invitae), Labcorp
Classification: Likely benign for Oligodontia-cancer predisposition syndrome. Last evaluated: 2025-12-13. Review status: criteria provided, single submitter. Criteria: Invitae Variant Classification Sherloc (09022015). Collection method: clinical testing. Allele origin: germline.

Myriad Genetics, Inc.
Classification: Benign for Oligodontia-cancer predisposition syndrome. Last evaluated: 2024-07-01. Review status: criteria provided, single submitter. Criteria: Myriad Autosomal Dominant, Autosomal Recessive and X-Linked Classification Criteria (2023). Collection method: clinical testing. Allele origin: unknown.
Comment: This variant is considered benign. This variant is a silent/synonymous amino acid change and it is not expected to impact splicing.

Quest Diagnostics Nichols Institute San Juan Capistrano
Classification: Likely benign. Last evaluated: 2023-06-06. Review status: criteria provided, single submitter. Criteria: Quest Diagnostics criteria. Collection method: clinical testing. Allele origin: unknown.

Sema4
Classification: Likely benign for Hereditary cancer-predisposing syndrome. Last evaluated: 2021-11-02. Review status: criteria provided, single submitter. Criteria: Sema4 Curation Guidelines. Collection method: curation. Allele origin: germline.

Ambry Genetics
Classification: Likely benign for Hereditary cancer-predisposing syndrome. Last evaluated: 2020-08-26. Review status: criteria provided, single submitter. Criteria: Ambry Variant Classification Scheme 2023. Collection method: clinical testing. Allele origin: germline.

GeneDx
Classification: Likely benign. Last evaluated: 2019-03-12. Review status: criteria provided, single submitter. Criteria: GeneDx Variant Classification Process June 2021. Collection method: clinical testing. Allele origin: germline. Affected: yes.

PreventionGenetics, part of Exact Sciences
Classification: Likely benign for AXIN2-related condition. Last evaluated: 2021-10-27. Review status: no assertion criteria provided. Collection method: clinical testing. Allele origin: germline. Not counted in ClinVar's aggregate classification.
Comment: This variant is classified as likely benign based on ACMG/AMP sequence variant interpretation guidelines (Richards et al. 2015 PMID: 25741868, with internal and published modifications).

NM_004655.4(AXIN2):c.1171C>T (p.Leu391=)

Gene: AXIN2 (axin 2; minus strand). Cytogenetic location: 17q24.1.
Variant type: single nucleotide variant.
Coding change: c.1171C>T on transcript NM_004655.4 (MANE Select); coding-DNA position 1171, C replaced by T.
Protein change: p.Leu391=; no amino-acid change (leucine 391 retained).
Molecular consequence: synonymous variant.
Genome position (GRCh38, 1-based): chr17:65,538,232, G>A on the plus strand (C>T on the coding strand, the complement: AXIN2 is on the minus strand). VCF-style: chr17-65538232-G-A. GRCh37 (hg19) VCF-style: chr17-63534350-G-A.
Other names: c.1171C>T (LRG_296t1); c.1171C>T, p.Leu391= (NM_001363813.1).
Identifiers: ClinVar variation 516710 (VCV000516710.20), dbSNP rs372767920, ClinGen allele CA8718846.